The following is an entry in ClinVar:

NM_032520.5(GNPTG):c.102del (p.Asn34fs)

Genes: GNPTG (N-acetylglucosamine-1-phosphate transferase subunit gamma; plus strand), LOC130058158 (ATAC-STARR-seq lymphoblastoid silent region 6972; plus strand). Cytogenetic location: 16p13.3.
Variant type: Deletion.
Coding change: c.102del on transcript NM_032520.5 (MANE Select); coding-DNA position 102, one base deleted (C; older notation c.102delC).
Protein change: p.Asn34fs; shifts the reading frame from asparagine 34.
Molecular consequence: frameshift variant.
Genome position (GRCh38, 1-based): chr16:1,352,151, C deleted. VCF-style (leftmost placement, unchanged base first): chr16-1352150-AC-A. GRCh37 (hg19) VCF-style: chr16-1402151-AC-A.
Other names: short protein forms N34fs.
Identifiers: ClinVar variation 2181376 (VCV002181376.4), dbSNP rs2548185737, ClinGen allele CA2580090426.

ClinVar aggregate classification (germline): Pathogenic (1 of 4 stars; one submission).

Allele frequency attached by ClinVar (database versions not stated): gnomAD exomes below 0.00001.

Submission:

Labcorp Genetics (formerly Invitae), Labcorp
Classification: Pathogenic. Last evaluated: 2024-02-23. Review status: criteria provided, single submitter. Criteria: Invitae Variant Classification Sherloc (09022015). Collection method: clinical testing. Allele origin: germline.
Comment: This sequence change creates a premature translational stop signal (p.Asn34Lysfs*5) in the GNPTG gene. It is expected to result in an absent or disrupted protein product. Loss-of-function variants in GNPTG are known to be pathogenic (PMID: 19370764, 20301784). This variant is not present in population databases (gnomAD no frequency). This variant has not been reported in the literature in individuals affected with GNPTG-related conditions. ClinVar contains an entry for this variant (Variation ID: 2181376). For these reasons, this variant has been classified as Pathogenic.

Literature cited by the submitters: PubMed 19370764; PubMed 20301784.